The following is an entry in ClinVar:

NM_001164508.2(NEB):c.21102T>C (p.Asp7034=)

Gene: NEB (nebulin; minus strand). Cytogenetic location: 2q23.3.
Variant type: single nucleotide variant.
Coding change: c.21102T>C on transcript NM_001164508.2 (MANE Select); coding-DNA position 21102, T replaced by C.
Protein change: p.Asp7034=; no amino-acid change (aspartic acid 7034 retained).
Molecular consequence: synonymous variant.
Genome position (GRCh38, 1-based): chr2:151,537,872, A>G on the plus strand (T>C on the coding strand, the complement: NEB is on the minus strand). VCF-style: chr2-151537872-A-G. GRCh37 (hg19) VCF-style: chr2-152394386-A-G.
Other names: c.21102T>C, p.Asp7034= (NM_001164507.2, NM_001271208.2); c.15999T>C, p.Asp5333= (NM_004543.5).
Identifiers: ClinVar variation 465546 (VCV000465546.5), dbSNP rs531711771, ClinGen allele CA1907081.

ClinVar aggregate classification (germline): Uncertain significance (1 of 4 stars; one submission).

Conditions:
Nemaline myopathy 2 (NEM2). Also called: Nemaline myopathy 2, autosomal recessive. Identifiers: MedGen C1850569, MONDO:0009725, OMIM 256030.

Allele frequency attached by ClinVar (database versions not stated): 1000 Genomes Project 0.00020; gnomAD 0.00001; 1000 Genomes Project 30x 0.00016; gnomAD exomes below 0.00001; ExAC 0.00001.
gnomAD v4.1: 1 of 1,584,788 alleles (0.000063%); highest among the groups gnomAD compares: South Asian, 0.0011%; no homozygotes.

Submission:

Labcorp Genetics (formerly Invitae), Labcorp
Classification: Uncertain significance for Nemaline myopathy 2. Last evaluated: 2022-07-11. Review status: criteria provided, single submitter. Criteria: Invitae Variant Classification Sherloc (09022015). Collection method: clinical testing. Allele origin: germline.
Comment: This sequence change affects codon 7034 of the NEB mRNA. It is a 'silent' change, meaning that it does not change the encoded amino acid sequence of the NEB protein. It affects a nucleotide within the consensus splice site. This variant is present in population databases (rs531711771, gnomAD 0.004%). This variant has not been reported in the literature in individuals affected with NEB-related conditions. ClinVar contains an entry for this variant (Variation ID: 465546). Algorithms developed to predict the effect of sequence changes on RNA splicing suggest that this variant is not likely to affect RNA splicing. In summary, the available evidence is currently insufficient to determine the role of this variant in disease. Therefore, it has been classified as a Variant of Uncertain Significance.